The following is an entry in ClinVar:

ClinVar aggregate classification (germline): Pathogenic. Review status: criteria provided, multiple submitters, no conflicts (2 of 4 stars). 2 submissions from 2 submitters: Pathogenic (2). Last evaluated 2023-04-27.

Conditions:
Familial adenomatous polyposis 1 (FAP1). Also called: POLYPOSIS, ADENOMATOUS INTESTINAL; FAMILIAL ADENOMATOUS POLYPOSIS 1, ATTENUATED. Identifiers: MedGen C2713442, MONDO:0021056, OMIM 175100. Disease mechanism: loss of function.

Submissions (2):

Myriad Genetics, Inc.
Classification: Pathogenic for Familial adenomatous polyposis 1. Last evaluated: 2023-04-27. Review status: criteria provided, single submitter. Criteria: Myriad Autosomal Dominant, Autosomal Recessive and X-Linked Classification Criteria (2023). Collection method: clinical testing. Allele origin: unknown.
Comment: This variant is considered pathogenic. This variant creates a frameshift predicted to result in premature protein truncation.

Labcorp Genetics (formerly Invitae), Labcorp
Classification: Pathogenic for Familial adenomatous polyposis 1. Last evaluated: 2017-02-18. Review status: criteria provided, single submitter. Criteria: Invitae Variant Classification Sherloc (09022015). Collection method: clinical testing. Allele origin: germline.
Comment: For these reasons, this variant has been classified as Pathogenic. While this particular variant has not been reported in the literature, loss-of-function variants in APC are known to be pathogenic (PMID: 20685668, 17963004). This sequence change deletes 4 nucleotides from exon 7 of the APC mRNA (c.684_687delACTT), causing a frameshift at codon 229. This creates a premature translational stop signal (p.Leu229Valfs*63) and is expected to result in an absent or disrupted protein product.

Literature cited by the submitters: PubMed 20685668 (cited by Labcorp Genetics (formerly Invitae), Labcorp); PubMed 17963004 (cited by Labcorp Genetics (formerly Invitae), Labcorp).

NM_000038.6(APC):c.684_687del (p.Leu229fs)

Gene: APC (APC regulator of Wnt signaling pathway; plus strand). Cytogenetic location: 5q22.2.
Variant type: Deletion.
Coding change: c.684_687del on transcript NM_000038.6 (MANE Select); coding-DNA positions 684 to 687, 4 bases deleted (ACTT; older notation c.684_687delACTT).
Protein change: p.Leu229fs; shifts the reading frame from leucine 229.
Molecular consequence: frameshift variant. On other transcripts: 5 prime UTR variant (1), intron variant (2).
Genome position (GRCh38, 1-based): chr5:112,792,484-112,792,487, ACTT deleted; deleting any 4 consecutive bases within chr5:112,792,483-112,792,487 gives the same sequence; the c. name uses the placement nearest the transcript's 3' end. VCF-style (leftmost placement, unchanged base first): chr5-112792482-ATACT-A. GRCh37 (hg19) VCF-style: chr5-112128179-ATACT-A.
Other names: c.684_687delACTT (NM_000038.5); c.684_687del, p.Leu229fs (NM_001127510.3, NM_001354895.2, NM_001354896.2 and 1 more transcripts); c.714_717del, p.Leu239fs (NM_001354897.2, NM_001354902.2); c.609_612del, p.Leu204fs (NM_001354898.2, NM_001354904.2); c.507_510del, p.Leu170fs (NM_001354900.2, NM_001354901.2, NM_001354905.2); c.-352_-349del (NM_001354906.2); c.676-8795_676-8792del (NM_001127511.3); c.646-8795_646-8792del (NM_001354899.2); short protein forms L170fs, L239fs, L204fs, L229fs.
Identifiers: ClinVar variation 470065 (VCV000470065.10), dbSNP rs1554074759, ClinGen allele CA645546038.